The following is an entry in ClinVar:

ClinVar aggregate classification (germline): Uncertain significance (1 of 4 stars; one submission).

Submission:

GeneDx
Classification: Uncertain significance. Last evaluated: 2022-08-15. Review status: criteria provided, single submitter. Criteria: GeneDx Variant Classification Process June 2021. Collection method: clinical testing. Allele origin: germline. Affected: yes.
Comment: Not observed at significant frequency in large population cohorts (gnomAD); In silico analysis supports that this missense variant has a deleterious effect on protein structure/function; Has not been previously published as pathogenic or benign to our knowledge

NM_001367534.1(CAMK2G):c.1237G>A (p.Glu413Lys)

Gene: CAMK2G (calcium/calmodulin dependent protein kinase II gamma; minus strand). Cytogenetic location: 10q22.2.
Variant type: single nucleotide variant.
Coding change: c.1237G>A on transcript NM_001367534.1 (MANE Select); coding-DNA position 1237, G replaced by A.
Protein change: p.Glu413Lys; replaces glutamic acid 413 with lysine.
Molecular consequence: missense variant. On other transcripts: non-coding transcript variant (8).
Genome position (GRCh38, 1-based): chr10:73,821,694, C>T on the plus strand (G>A on the coding strand, the complement: CAMK2G is on the minus strand). VCF-style: chr10-73821694-C-T. GRCh37 (hg19) VCF-style: chr10-75581452-C-T.
Other names: c.1204G>A, p.Glu402Lys (NM_001204492.2, NM_001367521.1, NM_001367544.1); c.1072G>A, p.Glu358Lys (NM_001222.4, NM_001367528.1, NM_001367541.1 and 1 more transcripts); c.1168G>A, p.Glu390Lys (NM_001320898.2, NM_001367523.1, NM_001367546.1 and 2 more transcripts); c.1117G>A, p.Glu373Lys (NM_001367514.1, NM_001367525.1, NM_001367532.1); c.1141G>A, p.Glu381Lys (NM_001367516.1, NM_001367517.1, NM_001367526.1 and 4 more transcripts); c.1105G>A, p.Glu369Lys (NM_001367518.1, NM_001367519.1, NM_001367522.1 and 1 more transcripts); c.1099G>A, p.Glu367Lys (NM_001367520.1, NM_001367533.1, NM_172173.3); c.922G>A, p.Glu308Lys (NM_001367524.1); and 9 more; short protein forms E136K, E151K, E254K, E299K, E308K, E358K, E367K, E369K.
Identifiers: ClinVar variation 2430400 (VCV002430400.1), dbSNP rs2547960138, ClinGen allele CA377300051.